The following is an entry in ClinVar:

ClinVar aggregate classification (germline): Benign. Review status: criteria provided, multiple submitters, no conflicts (2 of 4 stars). 3 submissions from 3 submitters: Benign (2). 1 of the submissions does not count toward it. Last evaluated 2026-01-29.

Conditions:
TAP2-related disorder. Also called: TAP2-related condition.
MHC class I deficiency. Identifiers: Orphanet 34592, MedGen C6024714, MONDO:0011476.

Allele frequency attached by ClinVar (database versions not stated): ESP Exome Variant Server 0.01126; 1000 Genomes Project 0.01258; gnomAD 0.00902; ExAC 0.00497; TOPMed 0.01302; 1000 Genomes Project 30x 0.01343.
gnomAD v4.1: 5,572 of 1,613,042 alleles (0.35%); highest among the groups gnomAD compares: African/African-American, 2.9%; 64 homozygotes.

Submissions (3):

Labcorp Genetics (formerly Invitae), Labcorp
Classification: Benign for MHC class I deficiency 1. Last evaluated: 2026-01-29. Review status: criteria provided, single submitter. Criteria: Invitae Variant Classification Sherloc (09022015). Collection method: clinical testing. Allele origin: germline.

Women's Health and Genetics/Laboratory Corporation of America, LabCorp
Classification: Benign. Last evaluated: 2026-01-22. Review status: criteria provided, single submitter. Criteria: LabCorp Variant Classification Summary - May 2015. Collection method: clinical testing. Allele origin: germline.

PreventionGenetics, part of Exact Sciences
Classification: Benign for TAP2-related condition. Last evaluated: 2019-04-01. Review status: no assertion criteria provided. Collection method: clinical testing. Allele origin: germline. Not counted in ClinVar's aggregate classification.
Comment: This variant is classified as benign based on ACMG/AMP sequence variant interpretation guidelines (Richards et al. 2015 PMID: 25741868, with internal and published modifications).

NM_001290043.2(TAP2):c.1374G>A (p.Thr458=)

Gene: TAP2 (transporter 2, ATP binding cassette subfamily B member; minus strand). Cytogenetic location: 6p21.32.
Variant type: single nucleotide variant.
Coding change: c.1374G>A on transcript NM_001290043.2 (MANE Select); coding-DNA position 1374, G replaced by A.
Protein change: p.Thr458=; no amino-acid change (threonine 458 retained).
Molecular consequence: synonymous variant.
Genome position (GRCh38, 1-based): chr6:32,830,705, C>T on the plus strand (G>A on the coding strand, the complement: TAP2 is on the minus strand). VCF-style: chr6-32830705-C-T. GRCh37 (hg19) VCF-style: chr6-32798482-C-T.
Other names: c.1374G>A, p.Thr458= (NM_000544.3, NM_018833.3).
Identifiers: ClinVar variation 466366 (VCV000466366.15), dbSNP rs149495208, ClinGen allele CA3745928.